The following is an entry in ClinVar:

ClinVar aggregate classification (germline): Uncertain significance (1 of 4 stars; one submission).

Conditions:
Long QT syndrome (LQTS). Identifiers: MedGen C0023976, MeSH D008133, MONDO:0002442. Disease mechanism: loss of function. Inheritance: Various modes of inheritance.

Submission:

Labcorp Genetics (formerly Invitae), Labcorp
Classification: Uncertain significance for Long QT syndrome. Last evaluated: 2023-12-07. Review status: criteria provided, single submitter. Criteria: Invitae Variant Classification Sherloc (09022015). Collection method: clinical testing. Allele origin: germline.
Comment: This sequence change replaces proline, which is neutral and non-polar, with serine, which is neutral and polar, at codon 1026 of the KCNH2 protein (p.Pro1026Ser). This variant is not present in population databases (gnomAD no frequency). This variant has not been reported in the literature in individuals affected with KCNH2-related conditions. An algorithm developed to predict the effect of missense changes on protein structure and function (PolyPhen-2) suggests that this variant is likely to be disruptive. In summary, the available evidence is currently insufficient to determine the role of this variant in disease. Therefore, it has been classified as a Variant of Uncertain Significance.

NM_000238.4(KCNH2):c.3076C>T (p.Pro1026Ser)

Gene: KCNH2 (potassium voltage-gated channel subfamily H member 2; minus strand). Cytogenetic location: 7q36.1.
Variant type: single nucleotide variant.
Coding change: c.3076C>T on transcript NM_000238.4 (MANE Select); coding-DNA position 3076, C replaced by T.
Protein change: p.Pro1026Ser; replaces proline 1026 with serine.
Molecular consequence: missense variant. On other transcripts: non-coding transcript variant (2).
Genome position (GRCh38, 1-based): chr7:150,947,404, G>A on the plus strand (C>T on the coding strand, the complement: KCNH2 is on the minus strand). VCF-style: chr7-150947404-G-A. GRCh37 (hg19) VCF-style: chr7-150644492-G-A.
Other names: c.2788C>T, p.Pro930Ser (NM_001406753.1); c.2056C>T, p.Pro686Ser (NM_172057.3); short protein forms P930S, P686S, P1026S.
Identifiers: ClinVar variation 2785012 (VCV002785012.3), dbSNP rs75377064, ClinGen allele CA169071958.